The following is an entry in ClinVar:

ClinVar aggregate classification (germline): Conflicting classifications of pathogenicity. Review status: criteria provided, conflicting classifications (1 of 4 stars). 3 submissions from 3 submitters: Uncertain significance (2); Benign (1). Last evaluated 2026-01-27.

Conditions:
Primary ciliary dyskinesia. Also called: Ciliary dyskinesia. Identifiers: Orphanet 244, MedGen C0008780, MONDO:0016575, HP:0012265.
Primary ciliary dyskinesia 7. Also called: CILIARY DYSKINESIA, PRIMARY, 7, WITH OR WITHOUT SITUS INVERSUS. Identifiers: Orphanet 244, MedGen C2678473, MONDO:0012748, OMIM 611884.

Allele frequency attached by ClinVar (database versions not stated): ExAC 0.00007; TOPMed 0.00007; gnomAD 0.00008 and 0.00009.
gnomAD v4.1: 171 of 1,610,074 alleles (0.011%); highest among the groups gnomAD compares: South Asian, 0.023%; no homozygotes.

Submissions (3):

Labcorp Genetics (formerly Invitae), Labcorp
Classification: Benign for Primary ciliary dyskinesia. Last evaluated: 2026-01-27. Review status: criteria provided, single submitter. Criteria: Invitae Variant Classification Sherloc (09022015). Collection method: clinical testing. Allele origin: germline.

ARUP Laboratories, Molecular Genetics and Genomics, ARUP Laboratories
Classification: Uncertain significance for Primary ciliary dyskinesia 7. Last evaluated: 2023-09-21. Review status: criteria provided, single submitter. Criteria: ARUP Molecular Germline Variant Investigation Process 2024. Collection method: clinical testing. Allele origin: germline.
Comment: The DNAH11 c.11506G>A; p.Val3836Ile variant (rs767109418), to our knowledge, is not reported in the medical literature but is reported in ClinVar (Variation ID: 1393661). This variant is found in the general population with an overall allele frequency of 0.006% (17/277,322 alleles) in the Genome Aggregation Database. Computational analyses predict that this variant is neutral (REVEL: 0.114). However, given the lack of clinical and functional data, the significance of this variant is uncertain at this time.

Baylor Genetics
Classification: Uncertain significance for Primary ciliary dyskinesia 7. Last evaluated: 2022-06-07. Review status: criteria provided, single submitter. Criteria: ACMG Guidelines, 2015. Collection method: clinical testing. Allele origin: unknown.

NM_001277115.2(DNAH11):c.11506G>A (p.Val3836Ile)

Gene: DNAH11 (dynein axonemal heavy chain 11; plus strand). Cytogenetic location: 7p15.3.
Variant type: single nucleotide variant.
Coding change: c.11506G>A on transcript NM_001277115.2 (MANE Select); coding-DNA position 11506, G replaced by A.
Protein change: p.Val3836Ile; replaces valine 3836 with isoleucine.
Molecular consequence: missense variant.
Genome position (GRCh38, 1-based): chr7:21,866,479, G>A. VCF-style: chr7-21866479-G-A. GRCh37 (hg19) VCF-style: chr7-21906097-G-A.
Other names: short protein forms V3836I.
Identifiers: ClinVar variation 1393661 (VCV001393661.16), dbSNP rs767109418, ClinGen allele CA4182783.